The following is an entry in ClinVar:

NM_139276.3(STAT3):c.874T>A (p.Ser292Thr)

Gene: STAT3 (signal transducer and activator of transcription 3; minus strand). Cytogenetic location: 17q21.2.
Variant type: single nucleotide variant.
Coding change: c.874T>A on transcript NM_139276.3 (MANE Select); coding-DNA position 874, T replaced by A.
Protein change: p.Ser292Thr; replaces serine 292 with threonine.
Molecular consequence: missense variant.
Genome position (GRCh38, 1-based): chr17:42,333,973, A>T on the plus strand (T>A on the coding strand, the complement: STAT3 is on the minus strand). VCF-style: chr17-42333973-A-T. GRCh37 (hg19) VCF-style: chr17-40485991-A-T.
Other names: c.874T>A, p.Ser292Thr (NM_001369512.1, NM_001369513.1, NM_001369514.1 and 7 more transcripts); short protein forms S292T.
Identifiers: ClinVar variation 942467 (VCV000942467.10), dbSNP rs2082128125, ClinGen allele CA399591237.

ClinVar aggregate classification (germline): Uncertain significance (1 of 4 stars; one submission).

Conditions:
Hyper-IgE recurrent infection syndrome 1, autosomal dominant. Also called: STAT3 Hyper IgE Syndrome; JOB SYNDROME; Hyper-IgE recurrent infection syndrome 1; HYPER-IgE SYNDROME 1, AUTOSOMAL DOMINANT, WITH RECURRENT INFECTIONS; Job's Syndrome. Identifiers: Orphanet 2314, MedGen C2936739, MONDO:0007818, OMIM 147060.
STAT3 gain of function. Identifiers: MedGen C4288261.

Submission:

Labcorp Genetics (formerly Invitae), Labcorp
Classification: Uncertain significance for STAT3 gain of function; Hyper-IgE recurrent infection syndrome 1, autosomal dominant. Last evaluated: 2019-09-26. Review status: criteria provided, single submitter. Criteria: Invitae Variant Classification Sherloc (09022015). Collection method: clinical testing. Allele origin: germline.
Comment: In summary, the available evidence is currently insufficient to determine the role of this variant in disease. Therefore, it has been classified as a Variant of Uncertain Significance. Algorithms developed to predict the effect of missense changes on protein structure and function (SIFT, PolyPhen-2, Align-GVGD) all suggest that this variant is likely to be tolerated, but these predictions have not been confirmed by published functional studies and their clinical significance is uncertain. This variant has not been reported in the literature in individuals with STAT3-related conditions. This variant is not present in population databases (ExAC no frequency). This sequence change replaces serine with threonine at codon 292 of the STAT3 protein (p.Ser292Thr). The serine residue is moderately conserved and there is a small physicochemical difference between serine and threonine.